The following is an entry in ClinVar:

ClinVar aggregate classification (germline): Likely pathogenic (1 of 4 stars; one submission).

Conditions:
Cohen syndrome (COH1). Also called: PEPPER SYNDROME; Cutis verticis gyrata, retinitis pigmentosa, and sensorineural deafness. Identifiers: Orphanet 193, MedGen C0265223, MONDO:0008999, OMIM 216550.

Submission:

Natera, Inc.
Classification: Likely pathogenic for Cohen syndrome. Last evaluated: 2024-05-13. Review status: criteria provided, single submitter. Criteria: Natera Variant Classification Schema (03/2026). Collection method: clinical testing. Allele origin: germline.
Comment: The c.36del variant in VPS13B is a frameshift variant predicted to shift the reading frame beginning at codon 13 and leads to a stop codon 2 codons downstream. This variant is expected to result in nonsense mediated decay, truncation, or a dysfunctional protein product. This variant is rare in the general population with a frequency below the threshold expected for the associated phenotype(s). Given the available evidence, this variant is classified as Likely Pathogenic.

NM_152564.5(VPS13B):c.36del (p.Tyr13fs)

Gene: VPS13B (vacuolar protein sorting 13 homolog B; plus strand). Cytogenetic location: 8q22.2.
Variant type: Deletion.
Coding change: c.36del on transcript NM_152564.5 (MANE Select); coding-DNA position 36, one base deleted (C; older notation c.36delC).
Protein change: p.Tyr13fs; shifts the reading frame from tyrosine 13.
Molecular consequence: frameshift variant. On other transcripts: non-coding transcript variant (1).
Genome position (GRCh38, 1-based): chr8:99,013,824, C deleted. VCF-style (leftmost placement, unchanged base first): chr8-99013823-GC-G. GRCh37 (hg19) VCF-style: chr8-100026051-GC-G.
Other names: c.36del, p.Tyr13fs (NM_015243.3, NM_017890.5, NM_181661.3); c.36delC, p.Tyr13Metfs (NM_017890.4); short protein forms Y13fs.
Identifiers: ClinVar variation 4815949 (VCV004815949.1).